The following is an entry in ClinVar:

ClinVar aggregate classification (germline): Conflicting classifications of pathogenicity. Review status: criteria provided, conflicting classifications (1 of 4 stars). 2 submissions from 2 submitters: Uncertain significance (1); Likely benign (1). Last evaluated 2024-04-24.

Conditions:
Cardiovascular phenotype. Identifiers: MedGen CN230736.
Long QT syndrome (LQTS). Identifiers: MedGen C0023976, MeSH D008133, MONDO:0002442. Disease mechanism: loss of function. Inheritance: Various modes of inheritance.

Allele frequency attached by ClinVar (database versions not stated): TOPMed below 0.00001; gnomAD 0.00001 and 0.00002; gnomAD exomes 0.00001 and 0.00003; ExAC 0.00005; ESP Exome Variant Server 0.00008.
gnomAD v4.1: 23 of 1,613,486 alleles (0.0014%); highest among the groups gnomAD compares: South Asian, 0.0033%; no homozygotes.

Submissions (2):

Ambry Genetics
Classification: Likely benign for Cardiovascular phenotype. Last evaluated: 2024-04-24. Review status: criteria provided, single submitter. Criteria: Ambry Variant Classification Scheme 2023. Collection method: clinical testing. Allele origin: germline.

Labcorp Genetics (formerly Invitae), Labcorp
Classification: Uncertain significance for Long QT syndrome. Last evaluated: 2022-03-18. Review status: criteria provided, single submitter. Criteria: Invitae Variant Classification Sherloc (09022015). Collection method: clinical testing. Allele origin: germline.
Comment: This variant has not been reported in the literature in individuals affected with ANK2-related conditions. In summary, the available evidence is currently insufficient to determine the role of this variant in disease. Therefore, it has been classified as a Variant of Uncertain Significance. Algorithms developed to predict the effect of missense changes on protein structure and function (SIFT, PolyPhen-2, Align-GVGD) all suggest that this variant is likely to be tolerated. This variant is present in population databases (rs151268188, gnomAD 0.006%). This sequence change replaces proline, which is neutral and non-polar, with leucine, which is neutral and non-polar, at codon 2035 of the ANK2 protein (p.Pro2035Leu).

NM_001148.6(ANK2):c.6104C>T (p.Pro2035Leu)

Genes: ANK2 (ankyrin 2; plus strand), LOC126807136 (MED14-independent group 3 enhancer GRCh37_chr4:114274931-114276130; plus strand). Cytogenetic location: 4q26.
Variant type: single nucleotide variant.
Coding change: c.6104C>T on transcript NM_001148.6 (MANE Select); coding-DNA position 6104, C replaced by T.
Protein change: p.Pro2035Leu; replaces proline 2035 with leucine.
Molecular consequence: missense variant. On other transcripts: intron variant (68).
Genome position (GRCh38, 1-based): chr4:113,354,722, C>T. VCF-style: chr4-113354722-C-T. GRCh37 (hg19) VCF-style: chr4-114275878-C-T.
Other names: c.5870C>T, p.Pro1957Leu (NM_001386142.1); c.2504C>T, p.Pro835Leu (NM_001386166.1); c.6245C>T, p.Pro2082Leu (NM_001386174.1); c.6221C>T, p.Pro2074Leu (NM_001386175.1); c.4411+4473C>T (NM_001386186.2, NM_001386148.2); c.4213+4473C>T (NM_001354269.3); c.4291+4473C>T (NM_001386187.2); c.4252+4473C>T (NM_001386147.1); and 36 more; short protein forms P2035L, P2074L, P835L, P1957L, P2082L.
Identifiers: ClinVar variation 1429565 (VCV001429565.10), dbSNP rs151268188, ClinGen allele CA3051364.
Genomic context (GRCh38, chr4:113,354,722, plus strand): 5'-CAGCAAAACAAAAGCAGCCACAAGAGAAAGGTAAAGTTCGGGTAGAAAAAGAAAAGGGGC[C>T]GATACTAACCCAGAGAGAAGCTCAGAAAACAGAGAATCAGACAATCAAACGAGGCCAGAG-3'
Protein context (NP_001139.3, residues 2025-2045): GKVRVEKEKG[Pro2035Leu]ILTQREAQKT